The following is an entry in ClinVar:

NM_178857.6(RP1L1):c.-8C>T

Gene: RP1L1 (RP1 like 1). Cytogenetic location: 8p23.1.
Variant type: single nucleotide variant.
Coding change: c.-8C>T on transcript NM_178857.6 (MANE Select); 8 bases upstream of the start codon, C replaced by T.
Molecular consequence: 5 prime UTR variant.
Genome position (GRCh38, 1-based): chr8:10,623,209, G>A on the plus strand (C>T on the coding strand, the complement: RP1L1 is on the minus strand). VCF-style: chr8-10623209-G-A. GRCh37 (hg19) VCF-style: chr8-10480719-G-A.
Identifiers: ClinVar variation 911822 (VCV000911822.4), dbSNP rs775803948, ClinGen allele CA4625927.

ClinVar aggregate classification (germline): Benign (1 of 4 stars; one submission).

Conditions:
Occult macular dystrophy (OCMD). Also called: OMD; OCCULT MACULAR DYSTROPHY, SUSCEPTIBILITY TO. Identifiers: Orphanet 247834, MedGen C3150833, MONDO:0013316, OMIM 613587, HP:0030636.

Allele frequency attached by ClinVar (database versions not stated): gnomAD exomes 0.00001 and 0.00002; TOPMed 0.00001; ExAC 0.00002.
gnomAD v4.1: 5 of 1,543,756 alleles (0.00032%); highest among the groups gnomAD compares: Admixed American, 0.0057%; no homozygotes.

Submission:

Illumina Laboratory Services, Illumina
Classification: Benign for Occult macular dystrophy. Last evaluated: 2018-01-13. Review status: criteria provided, single submitter. Criteria: ICSL Variant Classification Criteria 13 December 2019. Collection method: clinical testing. Allele origin: germline.
Comment: This variant was observed in the ICSL laboratory as part of a predisposition screen in an ostensibly healthy population. It had not been previously curated by ICSL or reported in the Human Gene Mutation Database (HGMD: prior to June 1st, 2018), and was therefore a candidate for classification through an automated scoring system. Utilizing variant allele frequency, disease prevalence and penetrance estimates, and inheritance mode, an automated score was calculated to assess if this variant is too frequent to cause the disease. Based on the score and internal cut-off values, a variant classified as benign is not then subjected to further curation. The score for this variant resulted in a classification of benign for this disease.